The following is an entry in ClinVar:

ClinVar aggregate classification (germline): Uncertain significance (1 of 4 stars; one submission).

Conditions:
Acrocallosal syndrome (ACLS). Also called: HALLUX DUPLICATION, POSTAXIAL POLYDACTYLY, AND ABSENCE OF CORPUS CALLOSUM; Schinzel syndrome 1; Absence of corpus callosum with unusual facial appearance, mental deficiency, duplication of the halluces and polydactyly. Identifiers: Orphanet 36, MedGen C0796147, MONDO:0008708, OMIM 200990.

Allele frequency attached by ClinVar (database versions not stated): gnomAD exomes below 0.00001 and 0.00001; ExAC 0.00001; gnomAD 0.00001; TOPMed 0.00002; 1000 Genomes Project 30x 0.00016; 1000 Genomes Project 0.00020.
gnomAD v4.1: 8 of 1,612,020 alleles (0.0005%); highest among the groups gnomAD compares: East Asian, 0.0045%; no homozygotes.

Submission:

Labcorp Genetics (formerly Invitae), Labcorp
Classification: Uncertain significance for Acrocallosal syndrome. Last evaluated: 2024-01-02. Review status: criteria provided, single submitter. Criteria: Invitae Variant Classification Sherloc (09022015). Collection method: clinical testing. Allele origin: germline.
Comment: This sequence change replaces lysine, which is basic and polar, with arginine, which is basic and polar, at codon 1323 of the KIF7 protein (p.Lys1323Arg). This variant is present in population databases (rs537735484, gnomAD 0.02%). This variant has not been reported in the literature in individuals affected with KIF7-related conditions. ClinVar contains an entry for this variant (Variation ID: 531996). Advanced modeling of protein sequence and biophysical properties (such as structural, functional, and spatial information, amino acid conservation, physicochemical variation, residue mobility, and thermodynamic stability) performed at Invitae indicates that this missense variant is not expected to disrupt KIF7 protein function with a negative predictive value of 80%. In summary, the available evidence is currently insufficient to determine the role of this variant in disease. Therefore, it has been classified as a Variant of Uncertain Significance.

NM_198525.3(KIF7):c.3968A>G (p.Lys1323Arg)

Gene: KIF7 (kinesin family member 7; minus strand). Cytogenetic location: 15q26.1.
Variant type: single nucleotide variant.
Coding change: c.3968A>G on transcript NM_198525.3 (MANE Select); coding-DNA position 3968, A replaced by G.
Protein change: p.Lys1323Arg; replaces lysine 1323 with arginine.
Molecular consequence: missense variant.
Genome position (GRCh38, 1-based): chr15:89,628,483, T>C on the plus strand (A>G on the coding strand, the complement: KIF7 is on the minus strand). VCF-style: chr15-89628483-T-C. GRCh37 (hg19) VCF-style: chr15-90171714-T-C.
Other names: short protein forms K1323R.
Identifiers: ClinVar variation 531996 (VCV000531996.10), dbSNP rs537735484, ClinGen allele CA7727464.